The following is an entry in ClinVar:

NM_206926.2(SELENON):c.1404C>A (p.Asn468Lys)

Gene: SELENON (selenoprotein N; plus strand). Cytogenetic location: 1p36.11.
Variant type: single nucleotide variant.
Coding change: c.1404C>A on transcript NM_206926.2 (MANE Select); coding-DNA position 1404, C replaced by A.
Protein change: p.Asn468Lys; replaces asparagine 468 with lysine.
Molecular consequence: missense variant.
Genome position (GRCh38, 1-based): chr1:25,814,082, C>A. VCF-style: chr1-25814082-C-A. GRCh37 (hg19) VCF-style: chr1-26140573-C-A.
Other names: c.1506C>A, p.Asn502Lys (NM_020451.3); short protein forms N502K, N468K.
Identifiers: ClinVar variation 95959 (VCV000095959.33), dbSNP rs2294228, ClinGen allele CA149074.

ClinVar aggregate classification (germline): Benign. Review status: criteria provided, multiple submitters, no conflicts (2 of 4 stars). 17 submissions from 17 submitters: Benign (13). 4 of the submissions do not count toward it. Last evaluated 2026-02-04.

Conditions:
SEPN1-related disorder. Also called: SEPN1-Related Disorders. Identifiers: MedGen CN239420.
Eichsfeld type congenital muscular dystrophy (CMYO3). Also called: MYOPATHY, SEPN1-RELATED; SELENON-related myopathy; Congenital myopathy 3 with rigid spine; Rigid spine muscular dystrophy 1. Identifiers: MedGen C0410180, MONDO:0100100, OMIM 602771.

Allele frequency attached by ClinVar (database versions not stated): gnomAD 0.65587 and 0.64022; 1000 Genomes Project 0.69748; ExAC 0.77473; gnomAD exomes 0.78563 and 0.78644; TOPMed 0.64643; ESP Exome Variant Server 0.63195; 1000 Genomes Project 30x 0.68457.
gnomAD v4.1: 1,247,187 of 1,613,192 alleles (77%); highest among the groups gnomAD compares: East Asian, 96%; 493,293 homozygotes.

Submissions (17):

Labcorp Genetics (formerly Invitae), Labcorp
Classification: Benign for Eichsfeld type congenital muscular dystrophy. Last evaluated: 2026-02-04. Review status: criteria provided, single submitter. Criteria: Invitae Variant Classification Sherloc (09022015). Collection method: clinical testing. Allele origin: germline.

Blueprint Genetics
Classification: Benign. Last evaluated: 2024-11-26. Review status: criteria provided, single submitter. Criteria: ACMG Guidelines, 2015. Collection method: clinical testing. Allele origin: germline.

Genome-Nilou Lab
Classification: Benign for Eichsfeld type congenital muscular dystrophy. Last evaluated: 2021-07-15. Review status: criteria provided, single submitter. Criteria: ACMG Guidelines, 2015. Collection method: clinical testing. Allele origin: germline. Affected: no.

Mendelics
Classification: Benign for Eichsfeld type congenital muscular dystrophy. Last evaluated: 2019-05-28. Review status: criteria provided, single submitter. Criteria: Mendelics Assertion Criteria 2017. Collection method: clinical testing. Allele origin: unknown.

Athena Diagnostics
Classification: Benign. Last evaluated: 2018-12-13. Review status: criteria provided, single submitter. Criteria: Athena Diagnostics Criteria. Collection method: clinical testing. Allele origin: germline.

Illumina Laboratory Services, Illumina
Classification: Benign for SEPN1-Related Disorders. Last evaluated: 2018-01-12. Review status: criteria provided, single submitter. Criteria: ICSL Variant Classification Criteria 13 December 2019. Collection method: clinical testing. Allele origin: germline.
Comment: This variant was observed in the ICSL laboratory as part of a predisposition screen in an ostensibly healthy population. It had not been previously curated by ICSL or reported in the Human Gene Mutation Database (HGMD: prior to June 1st, 2018), and was therefore a candidate for classification through an automated scoring system. Utilizing variant allele frequency, disease prevalence and penetrance estimates, and inheritance mode, an automated score was calculated to assess if this variant is too frequent to cause the disease. Based on the score and internal cut-off values, a variant classified as benign is not then subjected to further curation. The score for this variant resulted in a classification of benign for this disease.

Mayo Clinic Laboratories, Mayo Clinic
Classification: Benign. Last evaluated: 2017-07-21. Review status: criteria provided, single submitter. Criteria: ACMG Guidelines, 2015. Collection method: clinical testing. Allele origin: germline. Observed: 733 variant alleles.

GeneDx
Classification: Benign. Last evaluated: 2016-01-05. Review status: criteria provided, single submitter. Criteria: GeneDx Variant Classification (06012015). Collection method: clinical testing. Allele origin: germline. Affected: yes.
Comment: This variant is considered likely benign or benign based on one or more of the following criteria: it is a conservative change, it occurs at a poorly conserved position in the protein, it is predicted to be benign by multiple in silico algorithms, and/or has population frequency not consistent with disease.

Laboratory for Molecular Medicine, Mass General Brigham Personalized Medicine
Classification: Benign. Last evaluated: 2014-11-26. Review status: criteria provided, single submitter. Criteria: LMM Criteria. Collection method: clinical testing. Allele origin: germline. Observed: 13 variant alleles.
Comment: This is a RefSeq error. The reference base (c.1506C) is the minor allele. This a llele (C) has been identified in 21% (1806/8488) of European American chromosome s and 67% (2894/4282) of African American chromosomes by the NHLBI Exome Sequenc ing Project (dbSNP rs2294228) and thus meets criteria to be classified as benign.

Eurofins Ntd Llc (ga)
Classification: Benign. Last evaluated: 2014-07-07. Review status: criteria provided, single submitter. Criteria: EGL Classification Definitions 2015. Collection method: clinical testing. Allele origin: germline. Observed: 61 variant alleles, 22 heterozygotes, 39 homozygotes.

Genetic Services Laboratory, University of Chicago
Classification: Benign for AllHighlyPenetrant. Last evaluated: 2013-08-15. Review status: criteria provided, single submitter. Criteria: ACMG Guidelines, 2007. Collection method: clinical testing. Allele origin: germline. Inheritance: Autosomal recessive inheritance.

Breakthrough Genomics
Classification: Benign. Review status: criteria provided, single submitter. Criteria: ACMG Guidelines, 2015. Collection method: not provided. Allele origin: germline. Inheritance: Autosomal recessive inheritance. Affected: yes.

PreventionGenetics, part of Exact Sciences
Classification: Benign. Review status: criteria provided, single submitter. Criteria: ACMG Guidelines, 2015. Collection method: clinical testing. Allele origin: germline.

Clinical Genetics, Academic Medical Center
Classification: Benign. Review status: no assertion criteria provided. Collection method: clinical testing. Allele origin: germline. Affected: yes. Study: VKGL Data-share Consensus. Not counted in ClinVar's aggregate classification.

Diagnostic Laboratory, Department of Genetics, University Medical Center Groningen
Classification: Benign for Eichsfeld type congenital muscular dystrophy. Review status: no assertion criteria provided. Collection method: clinical testing. Allele origin: germline. Affected: yes. Study: VKGL Data-share Consensus. Not counted in ClinVar's aggregate classification.

Genome Diagnostics Laboratory, University Medical Center Utrecht
Classification: Benign. Review status: no assertion criteria provided. Collection method: clinical testing. Allele origin: germline. Affected: yes. Study: VKGL Data-share Consensus. Not counted in ClinVar's aggregate classification.

Joint Genome Diagnostic Labs from Nijmegen and Maastricht, Radboudumc and MUMC+
Classification: Benign. Review status: no assertion criteria provided. Collection method: clinical testing. Allele origin: germline. Affected: yes. Study: VKGL Data-share Consensus. Not counted in ClinVar's aggregate classification.